The following is an entry in ClinVar:

NM_000321.3(RB1):c.2073G>C (p.Glu691Asp)

Gene: RB1 (RB transcriptional corepressor 1; plus strand). Cytogenetic location: 13q14.2.
Variant type: single nucleotide variant.
Coding change: c.2073G>C on transcript NM_000321.3 (MANE Select); coding-DNA position 2073, G replaced by C.
Protein change: p.Glu691Asp; replaces glutamic acid 691 with aspartic acid.
Molecular consequence: missense variant.
Genome position (GRCh38, 1-based): chr13:48,459,800, G>C. VCF-style: chr13-48459800-G-C. GRCh37 (hg19) VCF-style: chr13-49033936-G-C.
Other names: c.2073G>C, p.Glu691Asp (NM_001407165.1); short protein forms E691D.
Identifiers: ClinVar variation 5027962 (VCV005027962.1).

ClinVar aggregate classification (germline): Uncertain significance (1 of 4 stars; one submission).

Conditions:
Hereditary cancer-predisposing syndrome. Also called: Neoplastic Syndromes, Hereditary; Tumor predisposition; Hereditary neoplastic syndrome; Hereditary Cancer Syndrome. Identifiers: Orphanet 140162, MedGen C0027672, MeSH D009386, MONDO:0015356.

Submission:

Ambry Genetics
Classification: Uncertain significance for Hereditary cancer-predisposing syndrome. Last evaluated: 2026-07-07. Review status: criteria provided, single submitter. Criteria: Ambry Variant Classification Scheme 2023. Collection method: clinical testing. Allele origin: germline.
Comment: The p.E691D variant (also known as c.2073G>C), located in coding exon 20 of the RB1 gene, results from a G to C substitution at nucleotide position 2073. The glutamic acid at codon 691 is replaced by aspartic acid, an amino acid with highly similar properties. This amino acid position is conserved. In addition, the in silico prediction for this alteration is inconclusive. Based on the available evidence, the clinical significance of this variant remains unclear.